The following is an entry in ClinVar:

NM_001851.6(COL9A1):c.1557+6T>C

Gene: COL9A1 (collagen type IX alpha 1 chain; minus strand). Cytogenetic location: 6q13.
Variant type: single nucleotide variant.
Coding change: c.1557+6T>C on transcript NM_001851.6 (MANE Select); 6 bases into the intron after coding-DNA position 1557, T replaced by C.
Molecular consequence: intron variant.
Genome position (GRCh38, 1-based): chr6:70,255,331, A>G on the plus strand (T>C on the coding strand, the complement: COL9A1 is on the minus strand). VCF-style: chr6-70255331-A-G. GRCh37 (hg19) VCF-style: chr6-70965034-A-G.
Other names: c.828+6T>C (NM_001377290.1, NM_078485.4, NM_001377289.1).
Identifiers: ClinVar variation 373444 (VCV000373444.1), dbSNP rs1057518423, ClinGen allele CA16042650.
Genomic context (GRCh38, chr6:70,255,331, plus strand): 5'-AGATCAGCATAATCAGCAGATGACACTGAAAAGCAGGAGGCTTGGAGTGACTGAATTTAA[A>G]CTCACTCTATCTCCTTTGGGACCTGCTTCTCCTGGAGGTCCTCGCTGTCCTTGATCACCC-3'

ClinVar aggregate classification (germline): Uncertain significance (1 of 4 stars; one submission).

Allele frequency attached by ClinVar (database versions not stated): gnomAD exomes below 0.00001.
gnomAD v4.1: 1 of 1,613,854 alleles (0.000062%); highest among the groups gnomAD compares: Non-Finnish European, 0.000085%; no homozygotes.

Submission:

GeneDx
Classification: Uncertain significance. Last evaluated: 2016-12-02. Review status: criteria provided, single submitter. Criteria: GeneDx Variant Classification (06012015). Collection method: clinical testing. Allele origin: germline. Affected: yes.
Comment: The c.1557+6T>C variant in the COL9A1 gene has not been reported previously as a pathogenic variant nor as a benign variant, to our knowledge. This variant reduces the quality of the splice donor site in intron 22, and is expected to cause abnormal gene splicing. The c.1557+6T>C variant was not observed in approximately 6500 individuals of European and African American ancestry in the NHLBI Exome Sequencing Project, indicating it is not a common benign variant in these populations. We interpret c.1557+6T>C as a variant of uncertain significance.